The following is an entry in ClinVar:

ClinVar aggregate classification (germline): Uncertain significance (1 of 4 stars; one submission).

Submission:

Labcorp Genetics (formerly Invitae), Labcorp
Classification: Uncertain significance. Last evaluated: 2025-12-17. Review status: criteria provided, single submitter. Criteria: Invitae Variant Classification Sherloc (09022015). Collection method: clinical testing. Allele origin: germline.
Comment: This sequence change replaces aspartic acid, which is acidic and polar, with glycine, which is neutral and non-polar, at codon 418 of the SLC16A1 protein (p.Asp418Gly). This variant is not present in population databases (gnomAD no frequency). This variant has not been reported in the literature in individuals affected with SLC16A1-related conditions. An algorithm developed to predict the effect of missense changes on protein structure and function (PolyPhen-2) suggests that this variant is likely to be tolerated. In summary, the available evidence is currently insufficient to determine the role of this variant in disease. Therefore, it has been classified as a Variant of Uncertain Significance.

NM_003051.4(SLC16A1):c.1253A>G (p.Asp418Gly)

Gene: SLC16A1 (solute carrier family 16 member 1; minus strand). Cytogenetic location: 1p13.2.
Variant type: single nucleotide variant.
Coding change: c.1253A>G on transcript NM_003051.4 (MANE Select); coding-DNA position 1253, A replaced by G.
Protein change: p.Asp418Gly; replaces aspartic acid 418 with glycine.
Molecular consequence: missense variant.
Genome position (GRCh38, 1-based): chr1:112,914,141, T>C on the plus strand (A>G on the coding strand, the complement: SLC16A1 is on the minus strand). VCF-style: chr1-112914141-T-C. GRCh37 (hg19) VCF-style: chr1-113456763-T-C.
Other names: c.1253A>G, p.Asp418Gly (NM_001166496.2); short protein forms D418G.
Identifiers: ClinVar variation 4799427 (VCV004799427.1).